The following is an entry in ClinVar:

NM_198576.4(AGRN):c.5833G>A (p.Val1945Met)

Gene: AGRN (agrin; plus strand). Cytogenetic location: 1p36.33.
Variant type: single nucleotide variant.
Coding change: c.5833G>A on transcript NM_198576.4 (MANE Select); coding-DNA position 5833, G replaced by A.
Protein change: p.Val1945Met; replaces valine 1945 with methionine.
Molecular consequence: missense variant.
Genome position (GRCh38, 1-based): chr1:1,053,934, G>A. VCF-style: chr1-1053934-G-A. GRCh37 (hg19) VCF-style: chr1-989314-G-A.
Other names: c.5902G>A, p.Val1968Met (NM_001305275.2); c.5530G>A, p.Val1844Met (NM_001364727.2); short protein forms V1945M, V1844M, V1968M.
Identifiers: ClinVar variation 1038300 (VCV001038300.6), dbSNP rs145079121, ClinGen allele CA510243.
Genomic context (GRCh38, chr1:1,053,934, plus strand): 5'-GACGGGCACCTGCAACTGAGCTACAACCTGGGCTCCCAGCCCGTGGTGCTGCGTTCCACC[G>A]TGCCCGTCAACACCAACCGCTGGTTGCGGGTCGTGGCACATAGGTGAGTAGGGAACCCAG-3'
Protein context (NP_940978.2, residues 1935-1955): GSQPVVLRST[Val1945Met]PVNTNRWLRV

ClinVar aggregate classification (germline): Uncertain significance (1 of 4 stars; one submission).

Conditions:
Congenital myasthenic syndrome 8. Also called: MYASTHENIC SYNDROME, CONGENITAL, DUE TO AGRIN DEFICIENCY; Myasthenic syndrome, congenital, 8, with pre- and postsynaptic defects. Identifiers: Orphanet 590, MedGen C3808739, MONDO:0014052, OMIM 615120.

Allele frequency attached by ClinVar (database versions not stated): gnomAD 0.00001; ESP Exome Variant Server 0.00008; gnomAD exomes 0.00001; ExAC 0.00001; TOPMed 0.00005.
gnomAD v4.1: 14 of 1,604,364 alleles (0.00087%); highest among the groups gnomAD compares: Admixed American, 0.0051%; no homozygotes.

Submission:

Labcorp Genetics (formerly Invitae), Labcorp
Classification: Uncertain significance for Congenital myasthenic syndrome 8. Last evaluated: 2021-08-28. Review status: criteria provided, single submitter. Criteria: Invitae Variant Classification Sherloc (09022015). Collection method: clinical testing. Allele origin: germline.
Comment: This sequence change replaces valine with methionine at codon 1945 of the AGRN protein (p.Val1945Met). The valine residue is highly conserved and there is a small physicochemical difference between valine and methionine. This variant is present in population databases (rs145079121, ExAC 0.003%). This variant has not been reported in the literature in individuals affected with AGRN-related conditions. Algorithms developed to predict the effect of missense changes on protein structure and function are either unavailable or do not agree on the potential impact of this missense change (SIFT: "Deleterious"; PolyPhen-2: "Possibly Damaging"; Align-GVGD: "Class C0"). In summary, the available evidence is currently insufficient to determine the role of this variant in disease. Therefore, it has been classified as a Variant of Uncertain Significance.